The following is an entry in ClinVar:

NM_000878.5(IL2RB):c.5C>T (p.Ala2Val)

Gene: IL2RB (interleukin 2 receptor subunit beta; minus strand). Cytogenetic location: 22q12.3.
Variant type: single nucleotide variant.
Coding change: c.5C>T on transcript NM_000878.5 (MANE Select); coding-DNA position 5, C replaced by T.
Protein change: p.Ala2Val; replaces alanine 2 with valine.
Molecular consequence: missense variant.
Genome position (GRCh38, 1-based): chr22:37,144,168, G>A on the plus strand (C>T on the coding strand, the complement: IL2RB is on the minus strand). VCF-style: chr22-37144168-G-A. GRCh37 (hg19) VCF-style: chr22-37540208-G-A.
Other names: c.5C>T (NM_000878.2); c.5C>T, p.Ala2Val (NM_001346222.1, NM_001346223.2); short protein forms A2V.
Identifiers: ClinVar variation 1397304 (VCV001397304.5), dbSNP rs769321719, ClinGen allele CA10216786.

ClinVar aggregate classification (germline): Uncertain significance. Review status: criteria provided, multiple submitters, no conflicts (2 of 4 stars). 2 submissions from 2 submitters: Uncertain significance (2). Last evaluated 2025-08-08.

Allele frequency attached by ClinVar (database versions not stated): gnomAD 0.00003 and 0.00004; gnomAD exomes 0.00003 and 0.00005; TOPMed 0.00003; ExAC 0.00005.
gnomAD v4.1: 49 of 1,550,822 alleles (0.0032%); highest among the groups gnomAD compares: Non-Finnish European, 0.0037%; no homozygotes.

Submissions (2):

Ambry Genetics
Classification: Uncertain significance. Last evaluated: 2025-08-08. Review status: criteria provided, single submitter. Criteria: Ambry Variant Classification Scheme 2023. Collection method: clinical testing. Allele origin: germline.

Labcorp Genetics (formerly Invitae), Labcorp
Classification: Uncertain significance. Last evaluated: 2024-06-04. Review status: criteria provided, single submitter. Criteria: Invitae Variant Classification Sherloc (09022015). Collection method: clinical testing. Allele origin: germline.
Comment: This sequence change replaces alanine, which is neutral and non-polar, with valine, which is neutral and non-polar, at codon 2 of the IL2RB protein (p.Ala2Val). The frequency data for this variant in the population databases is considered unreliable, as metrics indicate poor data quality at this position in the gnomAD database. This variant has not been reported in the literature in individuals affected with IL2RB-related conditions. ClinVar contains an entry for this variant (Variation ID: 1397304). An algorithm developed to predict the effect of missense changes on protein structure and function (PolyPhen-2) suggests that this variant is likely to be disruptive. In summary, the available evidence is currently insufficient to determine the role of this variant in disease. Therefore, it has been classified as a Variant of Uncertain Significance.